The following is an entry in ClinVar:

ClinVar aggregate classification (germline): Uncertain significance. Review status: criteria provided, multiple submitters, no conflicts (2 of 4 stars). 2 submissions from 2 submitters: Uncertain significance (2). Last evaluated 2025-10-15.

Allele frequency attached by ClinVar (database versions not stated): ExAC 0.00002; gnomAD 0.00001; gnomAD exomes 0.00002.
gnomAD v4.1: 29 of 1,613,642 alleles (0.0018%); highest among the groups gnomAD compares: East Asian, 0.065%; no homozygotes.

Submissions (2):

Ambry Genetics
Classification: Uncertain significance. Last evaluated: 2025-10-15. Review status: criteria provided, single submitter. Criteria: Ambry Variant Classification Scheme 2023. Collection method: clinical testing. Allele origin: germline.

Labcorp Genetics (formerly Invitae), Labcorp
Classification: Uncertain significance. Last evaluated: 2023-12-11. Review status: criteria provided, single submitter. Criteria: Invitae Variant Classification Sherloc (09022015). Collection method: clinical testing. Allele origin: germline.
Comment: This sequence change replaces alanine, which is neutral and non-polar, with valine, which is neutral and non-polar, at codon 437 of the ARSG protein (p.Ala437Val). This variant is present in population databases (rs776265562, gnomAD 0.006%). This variant has not been reported in the literature in individuals affected with ARSG-related conditions. ClinVar contains an entry for this variant (Variation ID: 1981237). An algorithm developed to predict the effect of missense changes on protein structure and function (PolyPhen-2) suggests that this variant is likely to be tolerated. In summary, the available evidence is currently insufficient to determine the role of this variant in disease. Therefore, it has been classified as a Variant of Uncertain Significance.

NM_001267727.2(ARSG):c.1310C>T (p.Ala437Val)

Genes: ARSG (arylsulfatase G; plus strand), PRKAR1A (protein kinase cAMP-dependent type I regulatory subunit alpha; plus strand). Cytogenetic location: 17q24.2.
Variant type: single nucleotide variant.
Coding change: c.1310C>T on transcript NM_001267727.2 (MANE Select); coding-DNA position 1310, C replaced by T.
Protein change: p.Ala437Val; replaces alanine 437 with valine.
Molecular consequence: missense variant. On other transcripts: intron variant (3).
Genome position (GRCh38, 1-based): chr17:68,420,195, C>T. VCF-style: chr17-68420195-C-T. GRCh37 (hg19) VCF-style: chr17-66416336-C-T.
Other names: c.1310C>T, p.Ala437Val (NM_001352899.2, NM_001352900.2, NM_001352901.2 and 2 more transcripts); c.1307C>T, p.Ala436Val (NM_001352903.2, NM_001352904.2, NM_001352905.2 and 2 more transcripts); c.1303+18745C>T (NM_001352910.2); c.1255+18745C>T (NM_001352909.2); c.-7+6400C>T (NM_001278433.2); short protein forms A436V, A437V.
Identifiers: ClinVar variation 1981237 (VCV001981237.5), dbSNP rs776265562, ClinGen allele CA8728560.